The following is an entry in ClinVar:

NM_001374736.1(DST):c.16314C>G (p.Ser5438Arg)

Gene: DST (dystonin; minus strand). Cytogenetic location: 6p12.1.
Variant type: single nucleotide variant.
Coding change: c.16314C>G on transcript NM_001374736.1 (MANE Select); coding-DNA position 16314, C replaced by G.
Protein change: p.Ser5438Arg; replaces serine 5438 with arginine.
Molecular consequence: missense variant.
Genome position (GRCh38, 1-based): chr6:56,552,478, G>C on the plus strand (C>G on the coding strand, the complement: DST is on the minus strand). VCF-style: chr6-56552478-G-C. GRCh37 (hg19) VCF-style: chr6-56417276-G-C.
Other names: c.9957C>G, p.Ser3319Arg (NM_001144769.5); c.9543C>G, p.Ser3181Arg (NM_001144770.2); c.16314C>G, p.Ser5438Arg (NM_001374722.1); c.15681C>G, p.Ser5227Arg (NM_001374729.1); c.9423C>G, p.Ser3141Arg (NM_001374730.1, NM_001386100.1, NM_183380.4); c.16341C>G, p.Ser5447Arg (NM_001374734.1); c.8445C>G, p.Ser2815Arg (NM_015548.5); short protein forms S2815R, S3141R, S3181R, S3319R, S5227R, S5438R, S5447R.
Identifiers: ClinVar variation 1023535 (VCV001023535.6), dbSNP rs750722953, ClinGen allele CA3867696.
Genomic context (GRCh38, chr6:56,552,478, plus strand): 5'-GTCAGGAGAGGTTTCTTCTGTGGCTAACATCATCTTGCAGGTTTTATTGGCATTGTCATT[G>C]CTTGCCATGAGGGCTTCTAGTTTCTTTAGAAAGGCTTTTATAGTTTCCTTTTGCTTTTGC-3'
Protein context (NP_001361665.1, residues 5428-5448): FLKKLEALMA[Ser5438Arg]NDNANKTCKM

ClinVar aggregate classification (germline): Uncertain significance. Review status: criteria provided, multiple submitters, no conflicts (2 of 4 stars). 2 submissions from 2 submitters: Uncertain significance (2). Last evaluated 2022-07-06.

Conditions:
Inborn genetic diseases. Identifiers: MedGen C0950123, MeSH D030342.
Hereditary sensory and autonomic neuropathy type 6. Also called: Neuropathy, hereditary sensory and autonomic, type VI; HSAN VI. Identifiers: Orphanet 314381, MedGen C3539003, MONDO:0013839, OMIM 614653.
Epidermolysis bullosa simplex 3, localized or generalized intermediate, with BP230 deficiency (EBS3). Also called: Epidermolysis bullosa simplex due to BP230 deficiency; Epidermolysis bullosa simplex, autosomal recessive 2. Identifiers: Orphanet 412181, MedGen C3809470, MONDO:0014180, OMIM 615425.

Allele frequency attached by ClinVar (database versions not stated): gnomAD 0.00001; gnomAD exomes 0.00001 and 0.00002; TOPMed 0.00001; ExAC 0.00003.
gnomAD v4.1: 19 of 1,613,810 alleles (0.0012%); highest among the groups gnomAD compares: Non-Finnish European, 0.0016%; no homozygotes.

Submissions (2):

Ambry Genetics
Classification: Uncertain significance for Inborn genetic diseases. Last evaluated: 2022-07-06. Review status: criteria provided, single submitter. Criteria: Ambry Variant Classification Scheme 2023. Collection method: clinical testing. Allele origin: germline.
Comment: The p.S3319R variant (also known as c.9957C>G), located in coding exon 55 of the DST gene, results from a C to G substitution at nucleotide position 9957. The serine at codon 3319 is replaced by arginine, an amino acid with dissimilar properties. This amino acid position is not well conserved in available vertebrate species. In addition, this alteration is predicted to be tolerated by in silico analysis. Since supporting evidence is limited at this time, the clinical significance of this alteration remains unclear.

Labcorp Genetics (formerly Invitae), Labcorp
Classification: Uncertain significance for Epidermolysis bullosa simplex 3, localized or generalized intermediate, with BP230 deficiency; Hereditary sensory and autonomic neuropathy type 6. Last evaluated: 2021-09-16. Review status: criteria provided, single submitter. Criteria: Invitae Variant Classification Sherloc (09022015). Collection method: clinical testing. Allele origin: germline.
Comment: This sequence change replaces serine with arginine at codon 2815 of the DST protein (p.Ser2815Arg). The DST gene has multiple clinically relevant transcripts. This variant occurs in alternate transcript NM_015548.4, and corresponds to NM_001723.5:c.*63039C>G in the primary transcript. This variant is present in population databases (rs750722953, ExAC 0.006%). This variant has not been reported in the literature in individuals affected with DST-related conditions. ClinVar contains an entry for this variant (Variation ID: 1023535). Experimental studies and prediction algorithms are not available or were not evaluated, and the functional significance of this variant is currently unknown. In summary, the available evidence is currently insufficient to determine the role of this variant in disease. Therefore, it has been classified as a Variant of Uncertain Significance.